The following is an entry in ClinVar:

NM_212552.3(BOLA3):c.-3G>C

Gene: BOLA3 (bolA family member 3; minus strand). Cytogenetic location: 2p13.1.
Variant type: single nucleotide variant.
Coding change: c.-3G>C on transcript NM_212552.3 (MANE Select); 3 bases upstream of the start codon, G replaced by C.
Molecular consequence: 5 prime UTR variant.
Genome position (GRCh38, 1-based): chr2:74,147,877, C>G on the plus strand (G>C on the coding strand, the complement: BOLA3 is on the minus strand). VCF-style: chr2-74147877-C-G. GRCh37 (hg19) VCF-style: chr2-74375004-C-G.
Other names: c.-3G>C (NM_001035505.2).
Identifiers: ClinVar variation 4684577 (VCV004684577.1).
Genomic context (GRCh38, chr2:74,147,877, plus strand): 5'-TCACCCCGCGGATCCCGCGGAGGAGAGGCGCTGCCGCGGCCGGGCTCCATGCAGCCATGC[C>G]CGGCCGACGTGACCCGCCGCCCGAGGTCACTGTATGCCCGAAAGACGCGGAGCGGGGGAC-3'

ClinVar aggregate classification (germline): Likely benign (1 of 4 stars; one submission).

Submission:

Mayo Clinic Laboratories, Mayo Clinic
Classification: Likely benign. Last evaluated: 2025-09-24. Review status: criteria provided, single submitter. Criteria: ACMG Guidelines, 2015. Collection method: clinical testing. Allele origin: germline. Observed: 1 variant allele.
Comment: BP4, BP7